The following is an entry in ClinVar:

ClinVar aggregate classification (germline): Uncertain significance (1 of 4 stars; one submission).

Conditions:
Neuroblastoma, susceptibility to, 3. Also called: ALK-Related Neuroblastic Tumor Susceptibility. Identifiers: Orphanet 635, MedGen C2751681, MONDO:0013083, OMIM 613014.

Submission:

Labcorp Genetics (formerly Invitae), Labcorp
Classification: Uncertain significance for Neuroblastoma, susceptibility to, 3. Last evaluated: 2023-04-29. Review status: criteria provided, single submitter. Criteria: Invitae Variant Classification Sherloc (09022015). Collection method: clinical testing. Allele origin: germline.
Comment: In summary, the available evidence is currently insufficient to determine the role of this variant in disease. Therefore, it has been classified as a Variant of Uncertain Significance. Algorithms developed to predict the effect of missense changes on protein structure and function output the following: SIFT: "Not Available"; PolyPhen-2: "Probably Damaging"; Align-GVGD: "Not Available". The leucine amino acid residue is found in multiple mammalian species, which suggests that this missense change does not adversely affect protein function. This variant has not been reported in the literature in individuals affected with ALK-related conditions. This variant is not present in population databases (gnomAD no frequency). This sequence change replaces phenylalanine, which is neutral and non-polar, with leucine, which is neutral and non-polar, at codon 420 of the ALK protein (p.Phe420Leu).

NM_004304.5(ALK):c.1258T>C (p.Phe420Leu)

Gene: ALK (ALK receptor tyrosine kinase; minus strand). Cytogenetic location: 2p23.2.
Variant type: single nucleotide variant.
Coding change: c.1258T>C on transcript NM_004304.5 (MANE Select); coding-DNA position 1258, T replaced by C.
Protein change: p.Phe420Leu; replaces phenylalanine 420 with leucine.
Molecular consequence: missense variant.
Genome position (GRCh38, 1-based): chr2:29,383,756, A>G on the plus strand (T>C on the coding strand, the complement: ALK is on the minus strand). VCF-style: chr2-29383756-A-G. GRCh37 (hg19) VCF-style: chr2-29606622-A-G.
Other names: short protein forms F420L.
Identifiers: ClinVar variation 2848451 (VCV002848451.3), dbSNP rs2148301465, ClinGen allele CA346585104.